The following is an entry in ClinVar:

ClinVar aggregate classification (germline): Uncertain significance (0 of 4 stars; one submission).

Conditions:
IFT74-related disorder. Also called: IFT74-related condition; IFT74-Related Disorders.

gnomAD v4.1: 8 of 1,610,690 alleles (0.0005%); highest among the groups gnomAD compares: South Asian, 0.0011%; no homozygotes.

Submission:

PreventionGenetics, part of Exact Sciences
Classification: Uncertain significance for IFT74-related condition. Last evaluated: 2024-02-21. Review status: no assertion criteria provided. Collection method: clinical testing. Allele origin: germline.
Comment: The IFT74 c.833A>G variant is predicted to result in the amino acid substitution p.His278Arg. To our knowledge, this variant has not been reported in the literature. This variant is reported in 0.00088% of alleles in individuals of European (Non-Finnish) descent in gnomAD. At this time, the clinical significance of this variant is uncertain due to the absence of conclusive functional and genetic evidence.

NM_025103.4(IFT74):c.833A>G (p.His278Arg)

Gene: IFT74 (intraflagellar transport 74; plus strand). Cytogenetic location: 9p21.2.
Variant type: single nucleotide variant.
Coding change: c.833A>G on transcript NM_025103.4 (MANE Select); coding-DNA position 833, A replaced by G.
Protein change: p.His278Arg; replaces histidine 278 with arginine.
Molecular consequence: missense variant.
Genome position (GRCh38, 1-based): chr9:27,016,950, A>G. VCF-style: chr9-27016950-A-G. GRCh37 (hg19) VCF-style: chr9-27016948-A-G.
Other names: c.833A>G, p.His278Arg (NM_001099222.3, NM_001099223.3, NM_001099224.3 and 1 more transcripts); short protein forms H278R.
Identifiers: ClinVar variation 3349612 (VCV003349612.1).
Genomic context (GRCh38, chr9:27,016,950, plus strand): 5'-TTCTTATTTTCCTTTAGGAAATAGCTCACTCCCAGGTGAAACAGGAGGCGGTATTGCTGC[A>G]TGAAAAACTTTATGAGTTGGAGTCCCATCGAGATCAAATGATTGCAGAAGACAAAAGCAT-3'
Protein context (NP_079379.2, residues 268-288): SQVKQEAVLL[His278Arg]EKLYELESHR